The following is an entry in ClinVar:

ClinVar aggregate classification (germline): Uncertain significance (1 of 4 stars; one submission).

Conditions:
Familial hypocalciuric hypercalcemia (FHH). Also called: Familial benign hypercalcemia. Identifiers: Orphanet 405, MedGen C1809471, MONDO:0018458.
Autosomal dominant hypocalcemia 1 (HYPOC1). Also called: HYPOCALCEMIA, FAMILIAL. Identifiers: MedGen C3715128, MONDO:0011013, OMIM 601198.

Submission:

Labcorp Genetics (formerly Invitae), Labcorp
Classification: Uncertain significance for Familial hypocalciuric hypercalcemia; Autosomal dominant hypocalcemia 1. Last evaluated: 2021-01-30. Review status: criteria provided, single submitter. Criteria: Invitae Variant Classification Sherloc (09022015). Collection method: clinical testing. Allele origin: germline.
Comment: In summary, the available evidence is currently insufficient to determine the role of this variant in disease. Therefore, it has been classified as a Variant of Uncertain Significance. Algorithms developed to predict the effect of missense changes on protein structure and function are either unavailable or do not agree on the potential impact of this missense change (SIFT: "Deleterious"; PolyPhen-2: "Benign"; Align-GVGD: "Class C0"). This variant has not been reported in the literature in individuals with CASR-related conditions. This variant is not present in population databases (ExAC no frequency). This sequence change replaces glutamic acid with aspartic acid at codon 942 of the CASR protein (p.Glu942Asp). The glutamic acid residue is moderately conserved and there is a small physicochemical difference between glutamic acid and aspartic acid.

NM_000388.4(CASR):c.2826G>T (p.Glu942Asp)

Gene: CASR (calcium sensing receptor; plus strand). Cytogenetic location: 3q21.1.
Variant type: single nucleotide variant.
Coding change: c.2826G>T on transcript NM_000388.4 (MANE Select); coding-DNA position 2826, G replaced by T.
Protein change: p.Glu942Asp; replaces glutamic acid 942 with aspartic acid.
Molecular consequence: missense variant.
Genome position (GRCh38, 1-based): chr3:122,284,780, G>T. VCF-style: chr3-122284780-G-T. GRCh37 (hg19) VCF-style: chr3-122003627-G-T.
Other names: c.2856G>T, p.Glu952Asp (NM_001178065.2); short protein forms E952D, E942D.
Identifiers: ClinVar variation 1486017 (VCV001486017.8), dbSNP rs2107651299, ClinGen allele CA354160854.